The following is an entry in ClinVar:

NM_000059.4(BRCA2):c.7435+6G>T

Gene: BRCA2 (BRCA2 DNA repair associated; plus strand). Cytogenetic location: 13q13.1.
Variant type: single nucleotide variant.
Coding change: c.7435+6G>T on transcript NM_000059.4 (MANE Select); 6 bases into the intron after coding-DNA position 7435, G replaced by T.
Molecular consequence: intron variant.
Genome position (GRCh38, 1-based): chr13:32,355,294, G>T. VCF-style: chr13-32355294-G-T. GRCh37 (hg19) VCF-style: chr13-32929431-G-T.
Other names: c.7435+6G>T (NM_001406720.1); c.7339+6G>T (NM_001406719.1); c.2503+6G>T (NM_001406721.1); c.1018+6G>T (NM_001406722.1).
Identifiers: ClinVar variation 2855245 (VCV002855245.3), dbSNP rs81002852, ClinGen allele CA2739277511.

ClinVar aggregate classification (germline): Uncertain significance (1 of 4 stars; one submission).

Conditions:
Hereditary breast ovarian cancer syndrome. Also called: Hereditary breast and ovarian cancer syndrome (HBOC); Hereditary breast and ovarian cancer syndrome; Hereditary breast and/or ovarian cancer syndrome; Hereditary breast and ovarian cancer; Breast and ovarian cancer; BRCA1- and BRCA2-Associated Hereditary Breast and Ovarian Cancer. Identifiers: Orphanet 145, MedGen C0677776, MeSH D061325, MONDO:0003582. Disease mechanism: loss of function.

Submission:

Labcorp Genetics (formerly Invitae), Labcorp
Classification: Uncertain significance for Hereditary breast ovarian cancer syndrome. Last evaluated: 2023-04-28. Review status: criteria provided, single submitter. Criteria: Invitae Variant Classification Sherloc (09022015). Collection method: clinical testing. Allele origin: germline.
Comment: In summary, the available evidence is currently insufficient to determine the role of this variant in disease. Therefore, it has been classified as a Variant of Uncertain Significance. Variants that disrupt the consensus splice site are a relatively common cause of aberrant splicing (PMID: 17576681, 9536098). Algorithms developed to predict the effect of sequence changes on RNA splicing suggest that this variant is not likely to affect RNA splicing. This variant has not been reported in the literature in individuals affected with BRCA2-related conditions. This variant is not present in population databases (gnomAD no frequency). This sequence change falls in intron 14 of the BRCA2 gene. It does not directly change the encoded amino acid sequence of the BRCA2 protein. It affects a nucleotide within the consensus splice site.

Literature cited by the submitters: PubMed 17576681; PubMed 9536098.